The following is an entry in ClinVar:

ClinVar aggregate classification (germline): Uncertain significance (1 of 4 stars; one submission).

Submission:

Labcorp Genetics (formerly Invitae), Labcorp
Classification: Uncertain significance. Last evaluated: 2024-07-11. Review status: criteria provided, single submitter. Criteria: Invitae Variant Classification Sherloc (09022015). Collection method: clinical testing. Allele origin: germline.
Comment: This sequence change replaces alanine, which is neutral and non-polar, with threonine, which is neutral and polar, at codon 464 of the CTNNB1 protein (p.Ala464Thr). This variant is not present in population databases (gnomAD no frequency). This variant has not been reported in the literature in individuals affected with CTNNB1-related conditions. Advanced modeling of protein sequence and biophysical properties (such as structural, functional, and spatial information, amino acid conservation, physicochemical variation, residue mobility, and thermodynamic stability) performed at Invitae indicates that this missense variant is not expected to disrupt CTNNB1 protein function with a negative predictive value of 80%. In summary, the available evidence is currently insufficient to determine the role of this variant in disease. Therefore, it has been classified as a Variant of Uncertain Significance.

NM_001904.4(CTNNB1):c.1390G>A (p.Ala464Thr)

Genes: CTNNB1 (catenin beta 1; plus strand), LOC126806659 (BRD4-independent group 4 enhancer GRCh37_chr3:41274918-41276117; plus strand). Cytogenetic location: 3p22.1.
Variant type: single nucleotide variant.
Coding change: c.1390G>A on transcript NM_001904.4 (MANE Select); coding-DNA position 1390, G replaced by A.
Protein change: p.Ala464Thr; replaces alanine 464 with threonine.
Molecular consequence: missense variant.
Genome position (GRCh38, 1-based): chr3:41,233,733, G>A. VCF-style: chr3-41233733-G-A. GRCh37 (hg19) VCF-style: chr3-41275224-G-A.
Other names: c.1390G>A, p.Ala464Thr (NM_001098209.2, NM_001098210.2); c.1369G>A, p.Ala457Thr (NM_001330729.2); short protein forms A457T, A464T.
Identifiers: ClinVar variation 3659268 (VCV003659268.2).